The following is an entry in ClinVar:

ClinVar aggregate classification (germline): Uncertain significance (1 of 4 stars; one submission).

Conditions:
Familial thoracic aortic aneurysm and aortic dissection (TAAD). Also called: Thoracic aortic aneurysms and dissections. Identifiers: Orphanet 91387, MedGen C4707243, MONDO:0019625.

Submission:

Ambry Genetics
Classification: Uncertain significance for Familial thoracic aortic aneurysm and aortic dissection. Last evaluated: 2023-03-20. Review status: criteria provided, single submitter. Criteria: Ambry Variant Classification Scheme 2023. Collection method: clinical testing. Allele origin: germline.
Comment: The p.I84T variant (also known as c.251T>C), located in coding exon 2 of the CBS gene, results from a T to C substitution at nucleotide position 251. The isoleucine at codon 84 is replaced by threonine, an amino acid with similar properties. This amino acid position is conserved. In addition, this alteration is predicted to be deleterious by in silico analysis. Since supporting evidence is limited at this time, the clinical significance of this alteration remains unclear.

NM_000071.3(CBS):c.251T>C (p.Ile84Thr)

Gene: CBS (cystathionine beta-synthase; minus strand). Cytogenetic location: 21q22.3.
Variant type: single nucleotide variant.
Coding change: c.251T>C on transcript NM_000071.3 (MANE Select); coding-DNA position 251, T replaced by C.
Protein change: p.Ile84Thr; replaces isoleucine 84 with threonine.
Molecular consequence: missense variant.
Genome position (GRCh38, 1-based): chr21:43,068,574, A>G on the plus strand (T>C on the coding strand, the complement: CBS is on the minus strand). VCF-style: chr21-43068574-A-G. GRCh37 (hg19) VCF-style: chr21-44488684-A-G.
Other names: c.251T>C, p.Ile84Thr (NM_001178008.3, NM_001178009.3, NM_001320298.2); short protein forms I84T.
Identifiers: ClinVar variation 2566665 (VCV002566665.2), dbSNP rs2517469935, ClinGen allele CA410602121.